The following is an entry in ClinVar:

NM_002439.5(MSH3):c.1706C>G (p.Thr569Ser)

Gene: MSH3 (mutS homolog 3; plus strand). Cytogenetic location: 5q14.1.
Variant type: single nucleotide variant.
Coding change: c.1706C>G on transcript NM_002439.5 (MANE Select); coding-DNA position 1706, C replaced by G.
Protein change: p.Thr569Ser; replaces threonine 569 with serine.
Molecular consequence: missense variant.
Genome position (GRCh38, 1-based): chr5:80,744,558, C>G. VCF-style: chr5-80744558-C-G. GRCh37 (hg19) VCF-style: chr5-80040377-C-G.
Other names: c.1706C>G (NM_002439.3); short protein forms T569S.
Identifiers: ClinVar variation 1984911 (VCV001984911.6), dbSNP rs1743680084, ClinGen allele CA360274734.

ClinVar aggregate classification (germline): Uncertain significance. Review status: criteria provided, multiple submitters, no conflicts (2 of 4 stars). 2 submissions from 2 submitters: Uncertain significance (2). Last evaluated 2025-12-20.

Conditions:
Hereditary cancer-predisposing syndrome. Also called: Tumor predisposition; Hereditary neoplastic syndrome; Neoplastic Syndromes, Hereditary; Hereditary Cancer Syndrome. Identifiers: Orphanet 140162, MedGen C0027672, MeSH D009386, MONDO:0015356.

Allele frequency attached by ClinVar (database versions not stated): TOPMed below 0.00001.

Submissions (2):

Labcorp Genetics (formerly Invitae), Labcorp
Classification: Uncertain significance. Last evaluated: 2025-12-20. Review status: criteria provided, single submitter. Criteria: Invitae Variant Classification Sherloc (09022015). Collection method: clinical testing. Allele origin: germline.
Comment: This sequence change replaces threonine, which is neutral and polar, with serine, which is neutral and polar, at codon 569 of the MSH3 protein (p.Thr569Ser). This variant is not present in population databases (gnomAD no frequency). This variant has not been reported in the literature in individuals affected with MSH3-related conditions. ClinVar contains an entry for this variant (Variation ID: 1984911). An algorithm developed to predict the effect of missense changes on protein structure and function (PolyPhen-2) suggests that this variant is likely to be disruptive. In summary, the available evidence is currently insufficient to determine the role of this variant in disease. Therefore, it has been classified as a Variant of Uncertain Significance.

Ambry Genetics
Classification: Uncertain significance for Hereditary cancer-predisposing syndrome. Last evaluated: 2023-08-29. Review status: criteria provided, single submitter. Criteria: Ambry Variant Classification Scheme 2023. Collection method: clinical testing. Allele origin: germline.
Comment: The p.T569S variant (also known as c.1706C>G), located in coding exon 12 of the MSH3 gene, results from a C to G substitution at nucleotide position 1706. The threonine at codon 569 is replaced by serine, an amino acid with similar properties. This amino acid position is conserved. In addition, this alteration is predicted to be deleterious by in silico analysis. Since supporting evidence is limited at this time, the clinical significance of this alteration remains unclear.